The following is an entry in ClinVar:

NM_178425.4(HDAC9):c.1956C>T (p.Gly652=)

Gene: HDAC9 (histone deacetylase 9; plus strand). Cytogenetic location: 7p21.1.
Variant type: single nucleotide variant.
Coding change: c.1956C>T on transcript NM_178425.4 (MANE Select); coding-DNA position 1956, C replaced by T.
Protein change: p.Gly652=; no amino-acid change (glycine 652 retained).
Molecular consequence: synonymous variant.
Genome position (GRCh38, 1-based): chr7:18,749,051, C>T. VCF-style: chr7-18749051-C-T. GRCh37 (hg19) VCF-style: chr7-18788674-C-T.
Other names: c.1881C>T, p.Gly627= (NM_001321868.2); c.1824C>T, p.Gly608= (NM_001321877.2, NM_001321897.2); c.1947C>T, p.Gly649= (NM_058176.2, NM_178423.3).
Identifiers: ClinVar variation 4083953 (VCV004083953.8).

ClinVar aggregate classification (germline): Likely benign (1 of 4 stars; one submission).

gnomAD v4.1: 68 of 1,613,418 alleles (0.0042%); highest among the groups gnomAD compares: Non-Finnish European, 0.0053%; no homozygotes.

Submission:

CeGaT Center for Human Genetics Tuebingen
Classification: Likely benign. Last evaluated: 2025-06-01. Review status: criteria provided, single submitter. Criteria: CeGaT Center For Human Genetics Tuebingen Variant Classification Criteria Version 2. Collection method: clinical testing. Allele origin: germline. Affected: yes. Observed: 1 variant allele.
Comment: HDAC9: BP4, BP7